The following is an entry in ClinVar:

NM_004360.5(CDH1):c.622G>A (p.Glu208Lys)

Gene: CDH1 (cadherin 1; plus strand). Cytogenetic location: 16q22.1.
Variant type: single nucleotide variant.
Coding change: c.622G>A on transcript NM_004360.5 (MANE Select); coding-DNA position 622, G replaced by A.
Protein change: p.Glu208Lys; replaces glutamic acid 208 with lysine.
Molecular consequence: missense variant. On other transcripts: 5 prime UTR variant (2).
Genome position (GRCh38, 1-based): chr16:68,808,783, G>A. VCF-style: chr16-68808783-G-A. GRCh37 (hg19) VCF-style: chr16-68842686-G-A.
Other names: c.622G>A, p.Glu208Lys (NM_001317184.2); c.-994G>A (NM_001317185.2); c.-1198G>A (NM_001317186.2); c.622G>A (LRG_301t1); short protein forms E208K.
Identifiers: ClinVar variation 479506 (VCV000479506.21), dbSNP rs898610512, ClinGen allele CA283297211.

ClinVar aggregate classification (germline): Uncertain significance. Review status: criteria provided, multiple submitters, no conflicts (2 of 4 stars). 4 submissions from 4 submitters: Uncertain significance (4). Last evaluated 2024-12-17.

Conditions:
Hereditary cancer-predisposing syndrome. Also called: Tumor predisposition; Neoplastic Syndromes, Hereditary; Hereditary Cancer Syndrome; Hereditary neoplastic syndrome. Identifiers: Orphanet 140162, MedGen C0027672, MeSH D009386, MONDO:0015356.
Hereditary diffuse gastric adenocarcinoma (HDGC). Also called: DIFFUSE GASTRIC AND LOBULAR BREAST CANCER SYNDROME. Identifiers: Orphanet 26106, MedGen C1708349, MONDO:0007648, OMIM 137215.

Allele frequency attached by ClinVar (database versions not stated): gnomAD exomes below 0.00001; gnomAD 0.00001; TOPMed 0.00004.
gnomAD v4.1: 4 of 1,613,984 alleles (0.00025%); highest among the groups gnomAD compares: African/African-American, 0.0013%; no homozygotes.

Submissions (4):

Labcorp Genetics (formerly Invitae), Labcorp
Classification: Uncertain significance for Hereditary diffuse gastric adenocarcinoma. Last evaluated: 2024-12-17. Review status: criteria provided, single submitter. Criteria: Invitae Variant Classification Sherloc (09022015). Collection method: clinical testing. Allele origin: germline.
Comment: This sequence change replaces glutamic acid, which is acidic and polar, with lysine, which is basic and polar, at codon 208 of the CDH1 protein (p.Glu208Lys). This variant is not present in population databases (gnomAD no frequency). This variant has not been reported in the literature in individuals affected with CDH1-related conditions. ClinVar contains an entry for this variant (Variation ID: 479506). An algorithm developed to predict the effect of missense changes on protein structure and function (PolyPhen-2) suggests that this variant is likely to be disruptive. In summary, the available evidence is currently insufficient to determine the role of this variant in disease. Therefore, it has been classified as a Variant of Uncertain Significance.

Ambry Genetics
Classification: Uncertain significance for Hereditary cancer-predisposing syndrome. Last evaluated: 2024-08-29. Review status: criteria provided, single submitter. Criteria: Ambry Variant Classification Scheme 2023. Collection method: clinical testing. Allele origin: germline.
Comment: The p.E208K variant (also known as c.622G>A), located in coding exon 5 of the CDH1 gene, results from a G to A substitution at nucleotide position 622. The glutamic acid at codon 208 is replaced by lysine, an amino acid with similar properties. This amino acid position is well conserved in available vertebrate species. In addition, the in silico prediction for this alteration is inconclusive. Based on the available evidence, the clinical significance of this variant remains unclear.

Color Diagnostics, LLC DBA Color Health
Classification: Uncertain significance for Hereditary cancer-predisposing syndrome. Last evaluated: 2023-12-05. Review status: criteria provided, single submitter. Criteria: ACMG Guidelines, 2015. Collection method: clinical testing. Allele origin: germline.
Comment: This missense variant replaces glutamic acid with lysine at codon 208 of the CDH1 protein. To our knowledge, functional studies have not been reported for this variant. This variant has not been reported in individuals affected with CDH1-related disorders in the literature. This variant has been identified in 1/251152 chromosomes in the general population by the Genome Aggregation Database (gnomAD). The available evidence is insufficient to determine the role of this variant in disease conclusively. Therefore, this variant is classified as a Variant of Uncertain Significance.

Sema4
Classification: Uncertain significance for Hereditary cancer-predisposing syndrome. Last evaluated: 2021-04-12. Review status: criteria provided, single submitter. Criteria: Sema4 Curation Guidelines. Collection method: curation. Allele origin: germline.
Comment: To the best of our knowledge, the CDH1 c.622G>A (p.E208K) variant has not been reported in individuals with CDH1-related disease. It was observed in 1/16254 chromosomes of the African/African American subpopulation in the large and broad cohorts of the Genome Aggregation Database (PMID: 32461654). The variant has been reported in ClinVar (Variation ID: 479506). Functional studies have not been performed, and in silico predictions of the variant's effect on protein function are inconclusive. The evidence is insufficient to meet ACMG/AMP criteria for classifying the variant as benign or pathogenic. Thus, the clinical significance of this variant is currently uncertain.